The following is an entry in ClinVar:

ClinVar aggregate classification (germline): Likely benign (1 of 4 stars; one submission).

gnomAD v4.1: 12 of 1,614,256 alleles (0.00074%); highest among the groups gnomAD compares: Non-Finnish European, 0.001%; no homozygotes.

Submission:

CeGaT Center for Human Genetics Tuebingen
Classification: Likely benign. Last evaluated: 2024-03-01. Review status: criteria provided, single submitter. Criteria: CeGaT Center For Human Genetics Tuebingen Variant Classification Criteria Version 2. Collection method: clinical testing. Allele origin: germline. Affected: yes. Observed: 1 variant allele.
Comment: BAZ1B: PM2:Supporting, BP4, BP7

NM_032408.4(BAZ1B):c.2079G>A (p.Arg693=)

Gene: BAZ1B (bromodomain adjacent to zinc finger domain 1B; minus strand). Cytogenetic location: 7q11.23.
Variant type: single nucleotide variant.
Coding change: c.2079G>A on transcript NM_032408.4 (MANE Select); coding-DNA position 2079, G replaced by A.
Protein change: p.Arg693=; no amino-acid change (arginine 693 retained).
Molecular consequence: synonymous variant.
Genome position (GRCh38, 1-based): chr7:73,477,382, C>T on the plus strand (G>A on the coding strand, the complement: BAZ1B is on the minus strand). VCF-style: chr7-73477382-C-T. GRCh37 (hg19) VCF-style: chr7-72891712-C-T.
Other names: c.2079G>A, p.Arg693= (NM_001370402.1).
Identifiers: ClinVar variation 3067382 (VCV003067382.21), dbSNP rs1554572970, ClinGen allele CA456050576.